The following is an entry in ClinVar:

ClinVar aggregate classification (germline): Uncertain significance (1 of 4 stars; one submission).

Conditions:
Primary ciliary dyskinesia. Also called: Ciliary dyskinesia. Identifiers: Orphanet 244, MedGen C0008780, MONDO:0016575, HP:0012265.

Submission:

Ambry Genetics
Classification: Uncertain significance for Primary ciliary dyskinesia. Last evaluated: 2019-04-15. Review status: criteria provided, single submitter. Criteria: Ambry Variant Classification Scheme 2023. Collection method: clinical testing. Allele origin: germline.
Comment: The p.M125T variant (also known as c.374T>C), located in coding exon 5 of the NME8 gene, results from a T to C substitution at nucleotide position 374. The methionine at codon 125 is replaced by threonine, an amino acid with similar properties. This amino acid position is well conserved in available vertebrate species. In addition, this alteration is predicted to be tolerated by in silico analysis. Since supporting evidence is limited at this time, the clinical significance of this alteration remains unclear.

NM_016616.5(NME8):c.374T>C (p.Met125Thr)

Gene: NME8 (NME/NM23 family member 8; plus strand). Cytogenetic location: 7p14.1.
Variant type: single nucleotide variant.
Coding change: c.374T>C on transcript NM_016616.5 (MANE Select); coding-DNA position 374, T replaced by C.
Protein change: p.Met125Thr; replaces methionine 125 with threonine.
Molecular consequence: missense variant.
Genome position (GRCh38, 1-based): chr7:37,862,131, T>C. VCF-style: chr7-37862131-T-C. GRCh37 (hg19) VCF-style: chr7-37901733-T-C.
Other names: short protein forms M125T.
Identifiers: ClinVar variation 1734552 (VCV001734552.2), dbSNP rs1336163948, ClinGen allele CA367221433.